The following is an entry in ClinVar:

ClinVar aggregate classification (germline): Uncertain significance (1 of 4 stars; one submission).

Conditions:
Emery-Dreifuss muscular dystrophy 5, autosomal dominant (EDMD5). Also called: EMERY-DREIFUSS MUSCULAR DYSTROPHY 5. Identifiers: Orphanet 261, MedGen C2751805, MONDO:0013072, OMIM 612999.

Allele frequency attached by ClinVar (database versions not stated): gnomAD exomes below 0.00001 and 0.00003; ExAC 0.00002; gnomAD 0.00003; TOPMed 0.00004; 1000 Genomes Project 30x 0.00016; 1000 Genomes Project 0.00020.
gnomAD v4.1: 12 of 1,614,218 alleles (0.00074%); highest among the groups gnomAD compares: African/African-American, 0.013%; no homozygotes.

Submission:

Labcorp Genetics (formerly Invitae), Labcorp
Classification: Uncertain significance for Emery-Dreifuss muscular dystrophy 5, autosomal dominant. Last evaluated: 2023-11-27. Review status: criteria provided, single submitter. Criteria: Invitae Variant Classification Sherloc (09022015). Collection method: clinical testing. Allele origin: germline.
Comment: This sequence change replaces isoleucine, which is neutral and non-polar, with valine, which is neutral and non-polar, at codon 6772 of the SYNE2 protein (p.Ile6772Val). This variant is present in population databases (rs566278939, gnomAD 0.03%). This variant has not been reported in the literature in individuals affected with SYNE2-related conditions. ClinVar contains an entry for this variant (Variation ID: 1506715). An algorithm developed to predict the effect of missense changes on protein structure and function (PolyPhen-2) suggests that this variant is likely to be tolerated. In summary, the available evidence is currently insufficient to determine the role of this variant in disease. Therefore, it has been classified as a Variant of Uncertain Significance.

NM_182914.3(SYNE2):c.20314A>G (p.Ile6772Val)

Gene: SYNE2 (spectrin repeat containing nuclear envelope protein 2; plus strand). Cytogenetic location: 14q23.2.
Variant type: single nucleotide variant.
Coding change: c.20314A>G on transcript NM_182914.3 (MANE Select); coding-DNA position 20314, A replaced by G.
Protein change: p.Ile6772Val; replaces isoleucine 6772 with valine.
Molecular consequence: missense variant.
Genome position (GRCh38, 1-based): chr14:64,223,312, A>G. VCF-style: chr14-64223312-A-G. GRCh37 (hg19) VCF-style: chr14-64690030-A-G.
Other names: c.20245A>G, p.Ile6749Val (NM_015180.6); c.880A>G, p.Ile294Val (NM_182910.2); c.1258A>G, p.Ile420Val (NM_182913.4); short protein forms I420V, I6749V, I6772V, I294V.
Identifiers: ClinVar variation 1506715 (VCV001506715.6), dbSNP rs566278939, ClinGen allele CA7224804.